The following is an entry in ClinVar:

ClinVar aggregate classification (germline): Uncertain significance. Review status: criteria provided, multiple submitters, no conflicts (2 of 4 stars). 2 submissions from 2 submitters: Uncertain significance (2). Last evaluated 2026-01-19.

Conditions:
Hereditary cancer-predisposing syndrome. Also called: Tumor predisposition; Hereditary neoplastic syndrome; Neoplastic Syndromes, Hereditary; Hereditary Cancer Syndrome. Identifiers: Orphanet 140162, MedGen C0027672, MeSH D009386, MONDO:0015356.

Submissions (2):

Labcorp Genetics (formerly Invitae), Labcorp
Classification: Uncertain significance. Last evaluated: 2026-01-19. Review status: criteria provided, single submitter. Criteria: Invitae Variant Classification Sherloc (09022015). Collection method: clinical testing. Allele origin: germline.
Comment: This sequence change replaces phenylalanine, which is neutral and non-polar, with valine, which is neutral and non-polar, at codon 639 of the MSH3 protein (p.Phe639Val). This variant is not present in population databases (gnomAD no frequency). This variant has not been reported in the literature in individuals affected with MSH3-related conditions. ClinVar contains an entry for this variant (Variation ID: 2159231). An algorithm developed to predict the effect of missense changes on protein structure and function (PolyPhen-2) suggests that this variant is likely to be tolerated. In summary, the available evidence is currently insufficient to determine the role of this variant in disease. Therefore, it has been classified as a Variant of Uncertain Significance.

Ambry Genetics
Classification: Uncertain significance for Hereditary cancer-predisposing syndrome. Last evaluated: 2023-12-23. Review status: criteria provided, single submitter. Criteria: Ambry Variant Classification Scheme 2023. Collection method: clinical testing. Allele origin: germline.
Comment: The p.F639V variant (also known as c.1915T>G), located in coding exon 14 of the MSH3 gene, results from a T to G substitution at nucleotide position 1915. The phenylalanine at codon 639 is replaced by valine, an amino acid with highly similar properties. This amino acid position is conserved. In addition, the in silico prediction for this alteration is inconclusive. Since supporting evidence is limited at this time, the clinical significance of this alteration remains unclear.

NM_002439.5(MSH3):c.1915T>G (p.Phe639Val)

Gene: MSH3 (mutS homolog 3; plus strand). Cytogenetic location: 5q14.1.
Variant type: single nucleotide variant.
Coding change: c.1915T>G on transcript NM_002439.5 (MANE Select); coding-DNA position 1915, T replaced by G.
Protein change: p.Phe639Val; replaces phenylalanine 639 with valine.
Molecular consequence: missense variant.
Genome position (GRCh38, 1-based): chr5:80,767,951, T>G. VCF-style: chr5-80767951-T-G. GRCh37 (hg19) VCF-style: chr5-80063770-T-G.
Other names: c.1915T>G (NM_002439.3); short protein forms F639V.
Identifiers: ClinVar variation 2159231 (VCV002159231.5), dbSNP rs1744150214, ClinGen allele CA360277466.